The following is an entry in ClinVar:

ClinVar aggregate classification (germline): Uncertain significance (1 of 4 stars; one submission).

Conditions:
LAMA2-related muscular dystrophy (LAMA2-RD). Also called: Laminin alpha 2-related dystrophy. Identifiers: MedGen C5679788, MONDO:0100228.

Allele frequency attached by ClinVar (database versions not stated): gnomAD 0.00001; gnomAD exomes 0.00001; TOPMed 0.00001; ExAC 0.00002.
gnomAD v4.1: 21 of 1,610,500 alleles (0.0013%); highest among the groups gnomAD compares: Non-Finnish European, 0.0017%; no homozygotes.

Submission:

Labcorp Genetics (formerly Invitae), Labcorp
Classification: Uncertain significance for LAMA2-related muscular dystrophy. Last evaluated: 2022-06-27. Review status: criteria provided, single submitter. Criteria: Invitae Variant Classification Sherloc (09022015). Collection method: clinical testing. Allele origin: germline.
Comment: This sequence change replaces glutamic acid, which is acidic and polar, with aspartic acid, which is acidic and polar, at codon 2392 of the LAMA2 protein (p.Glu2392Asp). This variant is present in population databases (rs763694058, gnomAD 0.004%). This variant has not been reported in the literature in individuals affected with LAMA2-related conditions. ClinVar contains an entry for this variant (Variation ID: 859221). Advanced modeling of protein sequence and biophysical properties (such as structural, functional, and spatial information, amino acid conservation, physicochemical variation, residue mobility, and thermodynamic stability) performed at Invitae indicates that this missense variant is not expected to disrupt LAMA2 protein function. In summary, the available evidence is currently insufficient to determine the role of this variant in disease. Therefore, it has been classified as a Variant of Uncertain Significance.

NM_000426.4(LAMA2):c.7176G>C (p.Glu2392Asp)

Gene: LAMA2 (laminin subunit alpha 2; plus strand). Cytogenetic location: 6q22.33.
Variant type: single nucleotide variant.
Coding change: c.7176G>C on transcript NM_000426.4 (MANE Select); coding-DNA position 7176, G replaced by C.
Protein change: p.Glu2392Asp; replaces glutamic acid 2392 with aspartic acid.
Molecular consequence: missense variant.
Genome position (GRCh38, 1-based): chr6:129,465,165, G>C. VCF-style: chr6-129465165-G-C. GRCh37 (hg19) VCF-style: chr6-129786310-G-C.
Other names: c.7176G>C, p.Glu2392Asp (NM_001079823.2); short protein forms E2392D.
Identifiers: ClinVar variation 859221 (VCV000859221.3), dbSNP rs763694058, ClinGen allele CA3994477.